The following is an entry in ClinVar:

ClinVar aggregate classification (germline): Pathogenic/Likely pathogenic. Review status: criteria provided, multiple submitters, no conflicts (2 of 4 stars). 3 submissions from 3 submitters: Pathogenic (1); Likely pathogenic (1). 1 of the submissions does not count toward it. Last evaluated 2024-01-02.

Conditions:
Mitochondrial complex I deficiency, nuclear type 23. Also called: Mitochondrial complex 1 deficiency, nuclear type 23. Identifiers: MedGen C4748799, MONDO:0032627, OMIM 618244.

Allele frequency attached by ClinVar (database versions not stated): gnomAD exomes below 0.00001.
gnomAD v4.1: 1 of 1,613,406 alleles (0.000062%); highest among the groups gnomAD compares: Middle Eastern, 0.017%; no homozygotes.

Submissions (3):

GeneDx
Classification: Likely pathogenic. Last evaluated: 2024-01-02. Review status: criteria provided, single submitter. Criteria: GeneDx Variant Classification Process June 2021. Collection method: clinical testing. Allele origin: germline. Affected: yes.
Comment: Nonsense variant predicted to result in protein truncation, as the last 61 amino acids are lost, and other loss-of-function variants have been reported downstream in HGMD; Not observed at significant frequency in large population cohorts (gnomAD); This variant is associated with the following publications: (PMID: 33715266, 35141356, 34069703)

Mendelics
Classification: Pathogenic for Mitochondrial complex I deficiency, nuclear type 23. Last evaluated: 2019-05-28. Review status: criteria provided, single submitter. Criteria: Mendelics Assertion Criteria 2017. Collection method: clinical testing. Allele origin: unknown.

OMIM
Classification: Pathogenic for MITOCHONDRIAL COMPLEX I DEFICIENCY, NUCLEAR TYPE 23. Last evaluated: 2022-05-13. Review status: no assertion criteria provided. Collection method: literature only. Allele origin: germline. Not counted in ClinVar's aggregate classification.

Literature cited by the submitters: PubMed 33715266 (cited by OMIM); PubMed 35141356 (cited by OMIM).

NM_018838.5(NDUFA12):c.253G>T (p.Glu85Ter)

Gene: NDUFA12 (NADH:ubiquinone oxidoreductase subunit A12; minus strand). Cytogenetic location: 12q22.
Variant type: single nucleotide variant.
Coding change: c.253G>T on transcript NM_018838.5 (MANE Select); coding-DNA position 253, G replaced by T.
Protein change: p.Glu85Ter; replaces glutamic acid 85 with a stop codon.
Molecular consequence: nonsense. On other transcripts: intron variant (1).
Genome position (GRCh38, 1-based): chr12:94,994,174, C>A on the plus strand (G>T on the coding strand, the complement: NDUFA12 is on the minus strand). VCF-style: chr12-94994174-C-A. GRCh37 (hg19) VCF-style: chr12-95387950-C-A.
Other names: c.253G>T (NM_018838.4); c.169+8565G>T (NM_001258338.2); short protein forms E85*.
Identifiers: ClinVar variation 802883 (VCV000802883.4), dbSNP rs1592704794, ClinGen allele CA386039635.